The following is an entry in ClinVar:

ClinVar aggregate classification (germline): Uncertain significance (1 of 4 stars; one submission).

Conditions:
Hereditary spastic paraplegia 11. Also called: Spastic paraplegia, mental retardation and thin corpus callosum; SPASTIC PARAPLEGIA, AUTOSOMAL RECESSIVE, COMPLICATED, WITH THIN CORPUS CALLOSUM; SPASTIC PARAPLEGIA, AUTOSOMAL RECESSIVE, WITH MENTAL IMPAIRMENT AND THIN CORPUS CALLOSUM; Nakamura Osame syndrome; Autosomal recessive hereditary spastic paraplegia, mental impairment, and thin corpus callosum; Spastic Paraplegia 11. Identifiers: Orphanet 2822, MedGen C1858479, MONDO:0011445, OMIM 604360.

gnomAD v4.1: 3 of 1,614,186 alleles (0.00019%); highest among the groups gnomAD compares: South Asian, 0.0033%; no homozygotes.

Submission:

Labcorp Genetics (formerly Invitae), Labcorp
Classification: Uncertain significance for Hereditary spastic paraplegia 11. Last evaluated: 2021-03-28. Review status: criteria provided, single submitter. Criteria: Invitae Variant Classification Sherloc (09022015). Collection method: clinical testing. Allele origin: germline.
Comment: In summary, the available evidence is currently insufficient to determine the role of this variant in disease. Therefore, it has been classified as a Variant of Uncertain Significance. Algorithms developed to predict the effect of missense changes on protein structure and function output the following: SIFT: "Tolerated"; PolyPhen-2: "Possibly Damaging"; Align-GVGD: "Class C0". The leucine amino acid residue is found in multiple mammalian species, suggesting that this missense change does not adversely affect protein function. These predictions have not been confirmed by published functional studies and their clinical significance is uncertain. This variant has not been reported in the literature in individuals with SPG11-related conditions. This variant is present in population databases (rs779900397, ExAC 0.006%). This sequence change replaces phenylalanine with leucine at codon 2420 of the SPG11 protein (p.Phe2420Leu). The phenylalanine residue is moderately conserved and there is a small physicochemical difference between phenylalanine and leucine.

NM_025137.4(SPG11):c.7258T>C (p.Phe2420Leu)

Gene: SPG11 (SPG11 vesicle trafficking associated, spatacsin; minus strand). Cytogenetic location: 15q21.1.
Variant type: single nucleotide variant.
Coding change: c.7258T>C on transcript NM_025137.4 (MANE Select); coding-DNA position 7258, T replaced by C.
Protein change: p.Phe2420Leu; replaces phenylalanine 2420 with leucine.
Molecular consequence: missense variant.
Genome position (GRCh38, 1-based): chr15:44,563,195, A>G on the plus strand (T>C on the coding strand, the complement: SPG11 is on the minus strand). VCF-style: chr15-44563195-A-G. GRCh37 (hg19) VCF-style: chr15-44855393-A-G.
Other names: c.6919T>C, p.Phe2307Leu (NM_001160227.2); short protein forms F2420L, F2307L.
Identifiers: ClinVar variation 1382798 (VCV001382798.8), dbSNP rs779900397, ClinGen allele CA7533837.